The following is an entry in ClinVar:

NM_001127178.3(PIGG):c.1220A>G (p.Lys407Arg)

Gene: PIGG (phosphatidylinositol glycan anchor biosynthesis class G (EMM blood group); plus strand). Cytogenetic location: 4p16.3.
Variant type: single nucleotide variant.
Coding change: c.1220A>G on transcript NM_001127178.3 (MANE Select); coding-DNA position 1220, A replaced by G.
Protein change: p.Lys407Arg; replaces lysine 407 with arginine.
Molecular consequence: missense variant. On other transcripts: 5 prime UTR variant (2), non-coding transcript variant (10), intron variant (1).
Genome position (GRCh38, 1-based): chr4:521,161, A>G. VCF-style: chr4-521161-A-G. GRCh37 (hg19) VCF-style: chr4-514950-A-G.
Other names: c.953A>G, p.Lys318Arg (NM_001289051.2, NM_001289053.2, NM_001345986.2 and 1 more transcripts); c.821A>G, p.Lys274Arg (NM_001289052.2); c.854A>G, p.Lys285Arg (NM_001289055.2); c.191A>G, p.Lys64Arg (NM_001345988.2); c.1220A>G, p.Lys407Arg (NM_001345989.2, NM_017733.5); c.-268A>G (NM_001345990.2, NM_001345991.2); c.146A>G, p.Lys49Arg (NM_001345994.2); c.848-499A>G (NM_001289057.2); and 1 more; short protein forms K285R, K407R, K274R, K318R, K49R, K64R.
Identifiers: ClinVar variation 2184639 (VCV002184639.3), dbSNP rs1250954532, ClinGen allele CA355903858.

ClinVar aggregate classification (germline): Uncertain significance. Review status: criteria provided, multiple submitters, no conflicts (2 of 4 stars). 2 submissions from 2 submitters: Uncertain significance (2). Last evaluated 2025-06-01.

Conditions:
Intellectual disability, autosomal recessive 53 (NEDHSCA). Also called: NEURODEVELOPMENTAL DISORDER WITH OR WITHOUT HYPOTONIA, SEIZURES, AND CEREBELLAR ATROPHY; GLYCOSYLPHOSPHATIDYLINOSITOL BIOSYNTHESIS DEFECT 13; Mental retardation, autosomal recessive 53. Identifiers: Orphanet 488635, MedGen C4310794, MONDO:0014832, OMIM 616917.

Allele frequency attached by ClinVar (database versions not stated): TOPMed 0.00001.
gnomAD v4.1: 7 of 1,614,108 alleles (0.00043%); highest among the groups gnomAD compares: Non-Finnish European, 0.00059%; no homozygotes.

Submissions (2):

GeneDx
Classification: Uncertain significance. Last evaluated: 2025-06-01. Review status: criteria provided, single submitter. Criteria: GeneDx Variant Classification Process June 2021. Collection method: clinical testing. Allele origin: germline. Affected: yes.
Comment: Not observed at significant frequency in large population cohorts (gnomAD); In silico analysis suggests that this missense variant does not alter protein structure/function; Has not been previously published as pathogenic or benign to our knowledge

Labcorp Genetics (formerly Invitae), Labcorp
Classification: Uncertain significance for Intellectual disability, autosomal recessive 53. Last evaluated: 2022-06-25. Review status: criteria provided, single submitter. Criteria: Invitae Variant Classification Sherloc (09022015). Collection method: clinical testing. Allele origin: germline.
Comment: This variant has not been reported in the literature in individuals affected with PIGG-related conditions. This variant is present in population databases (no rsID available, gnomAD 0.0009%). This sequence change replaces lysine, which is basic and polar, with arginine, which is basic and polar, at codon 407 of the PIGG protein (p.Lys407Arg). Algorithms developed to predict the effect of missense changes on protein structure and function are either unavailable or do not agree on the potential impact of this missense change (SIFT: "Tolerated"; PolyPhen-2: "Probably Damaging"; Align-GVGD: "Class C0"). In summary, the available evidence is currently insufficient to determine the role of this variant in disease. Therefore, it has been classified as a Variant of Uncertain Significance. Algorithms developed to predict the effect of sequence changes on RNA splicing suggest that this variant may create or strengthen a splice site.